The following is an entry in ClinVar:

ClinVar aggregate classification (germline): Uncertain significance (1 of 4 stars; one submission).

Conditions:
Hereditary cancer-predisposing syndrome. Also called: Hereditary neoplastic syndrome; Neoplastic Syndromes, Hereditary; Tumor predisposition; Hereditary Cancer Syndrome. Identifiers: Orphanet 140162, MedGen C0027672, MeSH D009386, MONDO:0015356.

Submission:

Ambry Genetics
Classification: Uncertain significance for Hereditary cancer-predisposing syndrome. Last evaluated: 2025-01-27. Review status: criteria provided, single submitter. Criteria: Ambry Variant Classification Scheme 2023. Collection method: clinical testing. Allele origin: germline.
Comment: The p.D877H variant (also known as c.2629G>C), located in coding exon 12 of the BLM gene, results from a G to C substitution at nucleotide position 2629. The aspartic acid at codon 877 is replaced by histidine, an amino acid with similar properties. This amino acid position is conserved. In addition, the in silico prediction for this alteration is inconclusive. Based on the available evidence, the clinical significance of this variant remains unclear.

NM_000057.4(BLM):c.2629G>C (p.Asp877His)

Gene: BLM (BLM RecQ like helicase; plus strand). Cytogenetic location: 15q26.1.
Variant type: single nucleotide variant.
Coding change: c.2629G>C on transcript NM_000057.4 (MANE Select); coding-DNA position 2629, G replaced by C.
Protein change: p.Asp877His; replaces aspartic acid 877 with histidine.
Molecular consequence: missense variant.
Genome position (GRCh38, 1-based): chr15:90,782,895, G>C. VCF-style: chr15-90782895-G-C. GRCh37 (hg19) VCF-style: chr15-91326125-G-C.
Other names: c.2629G>C, p.Asp877His (NM_001287246.2, NM_001287247.2); c.1504G>C, p.Asp502His (NM_001287248.2); short protein forms D502H, D877H.
Identifiers: ClinVar variation 3824458 (VCV003824458.1).